The following is an entry in ClinVar:

ClinVar aggregate classification (germline): Likely benign (0 of 4 stars; one submission).

Conditions:
SGSH-related disorder. Also called: SGSH-related condition.

Allele frequency attached by ClinVar (database versions not stated): TOPMed 0.00002; gnomAD 0.00005; 1000 Genomes Project 30x 0.00031.
gnomAD v4.1: 86 of 1,557,844 alleles (0.0055%); highest among the groups gnomAD compares: East Asian, 0.014%; no homozygotes.

Submission:

PreventionGenetics, part of Exact Sciences
Classification: Likely benign for SGSH-related condition. Last evaluated: 2023-12-14. Review status: no assertion criteria provided. Collection method: clinical testing. Allele origin: germline.
Comment: This variant is classified as likely benign based on ACMG/AMP sequence variant interpretation guidelines (Richards et al. 2015 PMID: 25741868, with internal and published modifications).

NM_000199.5(SGSH):c.950-88C>T

Gene: SGSH (N-sulfoglucosamine sulfohydrolase; minus strand). Cytogenetic location: 17q25.3.
Variant type: single nucleotide variant.
Coding change: c.950-88C>T on transcript NM_000199.5 (MANE Select); 88 bases into the intron before coding-DNA position 950, C replaced by T.
Molecular consequence: intron variant. On other transcripts: synonymous variant (1).
Genome position (GRCh38, 1-based): chr17:80,211,099, G>A on the plus strand (C>T on the coding strand, the complement: SGSH is on the minus strand). VCF-style: chr17-80211099-G-A. GRCh37 (hg19) VCF-style: chr17-78184898-G-A.
Other names: c.1038C>T, p.Ala346= (NM_001352921.3); c.1005-88C>T (NM_001352922.2).
Identifiers: ClinVar variation 3032076 (VCV003032076.2), dbSNP rs1004885002, ClinGen allele CA294891244.